The following is an entry in ClinVar:

NM_174936.4(PCSK9):c.1147A>C (p.Ser383Arg)

Gene: PCSK9 (proprotein convertase subtilisin/kexin type 9; plus strand). Cytogenetic location: 1p32.3.
Variant type: single nucleotide variant.
Coding change: c.1147A>C on transcript NM_174936.4 (MANE Select); coding-DNA position 1147, A replaced by C.
Protein change: p.Ser383Arg; replaces serine 383 with arginine.
Molecular consequence: missense variant.
Genome position (GRCh38, 1-based): chr1:55,057,481, A>C. VCF-style: chr1-55057481-A-C. GRCh37 (hg19) VCF-style: chr1-55523154-A-C.
Other names: c.1270A>C, p.Ser424Arg (NM_001407240.1); c.1147A>C, p.Ser383Arg (NM_001407241.1, NM_001407244.1, NM_001407247.1); c.1150A>C, p.Ser384Arg (NM_001407242.1); c.1090A>C, p.Ser364Arg (NM_001407243.1); c.955A>C, p.Ser319Arg (NM_001407245.1); c.772A>C, p.Ser258Arg (NM_001407246.1); short protein forms S383R, S258R, S319R, S384R, S424R, S364R.
Identifiers: ClinVar variation 940884 (VCV000940884.12), dbSNP rs1644724470, ClinGen allele CA340476844.

ClinVar aggregate classification (germline): Uncertain significance. Review status: criteria provided, multiple submitters, no conflicts (2 of 4 stars). 2 submissions from 2 submitters: Uncertain significance (2). Last evaluated 2023-05-08.

Conditions:
Familial hypercholesterolemia. Also called: Familial hypercholesterolemias; Familial hypercholesterolaemia. Identifiers: MedGen C0020445, MONDO:0005439.
Hypercholesterolemia, autosomal dominant, 3 (FHCL3). Also called: PCSK9-Related Familial Hypercholesterolemia, Autosomal Dominant; Familial Hypercholesterolemia, Autosomal Dominant, 3; Familial hypercholesterolemia 3. Identifiers: MedGen C1863551, MONDO:0011369, OMIM 603776.

Allele frequency attached by ClinVar (database versions not stated): TOPMed below 0.00001; gnomAD exomes 0.00001.
gnomAD v4.1: 8 of 1,613,782 alleles (0.0005%); highest among the groups gnomAD compares: Non-Finnish European, 0.00068%; no homozygotes.

Submissions (2):

Color Diagnostics, LLC DBA Color Health
Classification: Uncertain significance for Familial hypercholesterolemia. Last evaluated: 2023-05-08. Review status: criteria provided, single submitter. Criteria: ACMG Guidelines, 2015. Collection method: clinical testing. Allele origin: germline.
Comment: This missense variant replaces serine with arginine at codon 383 of the PCSK9 protein. Computational prediction suggests that this variant may have deleterious impact on protein structure and function (internally defined REVEL score threshold >= 0.7, PMID: 27666373). To our knowledge, functional studies have not been reported for this variant. This variant has not been reported in individuals affected with PCSK9-related disorders in the literature. This variant has not been identified in the general population by the Genome Aggregation Database (gnomAD). The available evidence is insufficient to determine the role of this variant in disease conclusively. Therefore, this variant is classified as a Variant of Uncertain Significance.

Labcorp Genetics (formerly Invitae), Labcorp
Classification: Uncertain significance for Hypercholesterolemia, autosomal dominant, 3. Last evaluated: 2019-08-31. Review status: criteria provided, single submitter. Criteria: Invitae Variant Classification Sherloc (09022015). Collection method: clinical testing. Allele origin: germline.
Comment: This sequence change replaces serine with arginine at codon 383 of the PCSK9 protein (p.Ser383Arg). The serine residue is highly conserved and there is a moderate physicochemical difference between serine and arginine. This variant is not present in population databases (ExAC no frequency). This variant has not been reported in the literature in individuals with PCSK9-related conditions. Algorithms developed to predict the effect of missense changes on protein structure and function are either unavailable or do not agree on the potential impact of this missense change (SIFT: "Deleterious"; PolyPhen-2: "Probably Damaging"; Align-GVGD: "Class C0"). In summary, the available evidence is currently insufficient to determine the role of this variant in disease. Therefore, it has been classified as a Variant of Uncertain Significance.